The following is an entry in ClinVar:

ClinVar aggregate classification (germline): Benign/Likely benign. Review status: criteria provided, multiple submitters, no conflicts (2 of 4 stars). 5 submissions from 5 submitters: Benign (1); Likely benign (4). Last evaluated 2025-08-01.

Conditions:
Familial cancer of breast. Also called: Hereditary breast cancer; hereditary breast carcinoma; BREAST CANCER, FAMILIAL. Identifiers: Orphanet 227535, MedGen C0346153, MONDO:0016419, OMIM 114480. Disease mechanism: loss of function.
Hereditary cancer-predisposing syndrome. Also called: Hereditary neoplastic syndrome; Tumor predisposition; Neoplastic Syndromes, Hereditary; Hereditary Cancer Syndrome. Identifiers: Orphanet 140162, MedGen C0027672, MeSH D009386, MONDO:0015356.

Allele frequency attached by ClinVar (database versions not stated): gnomAD exomes below 0.00001; ExAC 0.00001; gnomAD 0.00001; 1000 Genomes Project 30x 0.00016; 1000 Genomes Project 0.00020.
gnomAD v4.1: 1 of 1,614,062 alleles (0.000062%); highest among the groups gnomAD compares: Admixed American, 0.0017%; no homozygotes.

Submissions (5):

CeGaT Center for Human Genetics Tuebingen
Classification: Likely benign. Last evaluated: 2025-08-01. Review status: criteria provided, single submitter. Criteria: CeGaT Center For Human Genetics Tuebingen Variant Classification Criteria Version 2. Collection method: clinical testing. Allele origin: germline. Affected: yes. Observed: 1 variant allele.
Comment: BARD1: BP4, BP7

Myriad Genetics, Inc.
Classification: Benign for Familial cancer of breast. Last evaluated: 2024-07-26. Review status: criteria provided, single submitter. Criteria: Myriad Autosomal Dominant, Autosomal Recessive and X-Linked Classification Criteria (2023). Collection method: clinical testing. Allele origin: unknown.
Comment: This variant is considered benign. This variant is a silent/synonymous amino acid change and it is not expected to impact splicing.

Labcorp Genetics (formerly Invitae), Labcorp
Classification: Likely benign for Familial cancer of breast. Last evaluated: 2023-07-26. Review status: criteria provided, single submitter. Criteria: Invitae Variant Classification Sherloc (09022015). Collection method: clinical testing. Allele origin: germline.

Color Diagnostics, LLC DBA Color Health
Classification: Likely benign for Hereditary cancer-predisposing syndrome. Last evaluated: 2020-07-13. Review status: criteria provided, single submitter. Criteria: ACMG Guidelines, 2015. Collection method: clinical testing. Allele origin: germline.

Ambry Genetics
Classification: Likely benign for Hereditary cancer-predisposing syndrome. Last evaluated: 2016-03-18. Review status: criteria provided, single submitter. Criteria: Ambry Variant Classification Scheme 2023. Collection method: clinical testing. Allele origin: germline.

NM_000465.4(BARD1):c.1773T>A (p.Ile591=)

Gene: BARD1 (BRCA1 associated RING domain 1; minus strand). Cytogenetic location: 2q35.
Variant type: single nucleotide variant.
Coding change: c.1773T>A on transcript NM_000465.4 (MANE Select); coding-DNA position 1773, T replaced by A.
Protein change: p.Ile591=; no amino-acid change (isoleucine 591 retained).
Molecular consequence: synonymous variant. On other transcripts: non-coding transcript variant (3), intron variant (1).
Genome position (GRCh38, 1-based): chr2:214,745,759, A>T on the plus strand (T>A on the coding strand, the complement: BARD1 is on the minus strand). VCF-style: chr2-214745759-A-T. GRCh37 (hg19) VCF-style: chr2-215610483-A-T.
Other names: c.1716T>A, p.Ile572= (NM_001282543.2); c.420T>A, p.Ile140= (NM_001282545.2); c.363T>A, p.Ile121= (NM_001282548.2); c.365-15251T>A (NM_001282549.2).
Identifiers: ClinVar variation 479139 (VCV000479139.19), dbSNP rs201565373, ClinGen allele CA2090174.